The following is an entry in ClinVar:

ClinVar aggregate classification (germline): Pathogenic (1 of 4 stars; one submission).

Conditions:
Biotinidase deficiency. Also called: BTD deficiency; Late-onset biotin-responsive multiple carboxylase deficiency; Biotin deficiency. Identifiers: Orphanet 79241, MedGen C0220754, MONDO:0009665, OMIM 253260.

Allele frequency attached by ClinVar (database versions not stated): ExAC 0.00001; ESP Exome Variant Server 0.00008.
gnomAD v4.1: 4 of 1,614,086 alleles (0.00025%); highest among the groups gnomAD compares: Non-Finnish European, 0.00025%; no homozygotes.

Submission:

Labcorp Genetics (formerly Invitae), Labcorp
Classification: Pathogenic for Biotinidase deficiency. Last evaluated: 2025-06-27. Review status: criteria provided, single submitter. Criteria: Invitae Variant Classification Sherloc (09022015). Collection method: clinical testing. Allele origin: germline.
Comment: This sequence change replaces valine, which is neutral and non-polar, with methionine, which is neutral and non-polar, at codon 457 of the BTD protein (p.Val457Met). This variant is present in population databases (rs146600671, gnomAD 0.0009%). This missense change has been observed in individual(s) with biotinidase deficiency (PMID: 9396567, 28281033). In at least one individual the data is consistent with being in trans (on the opposite chromosome) from a pathogenic variant. ClinVar contains an entry for this variant (Variation ID: 2203322). Invitae Evidence Modeling of protein sequence and biophysical properties (such as structural, functional, and spatial information, amino acid conservation, physicochemical variation, residue mobility, and thermodynamic stability) indicates that this missense variant is expected to disrupt BTD protein function with a positive predictive value of 95%. For these reasons, this variant has been classified as Pathogenic.

Literature cited by the submitters: PubMed 9396567; PubMed 28281033.

NM_001370658.1(BTD):c.1309G>A (p.Val437Met)

Gene: BTD (biotinidase; plus strand). Cytogenetic location: 3p25.1.
Variant type: single nucleotide variant.
Coding change: c.1309G>A on transcript NM_001370658.1 (MANE Select); coding-DNA position 1309, G replaced by A.
Protein change: p.Val437Met; replaces valine 437 with methionine.
Molecular consequence: missense variant. On other transcripts: intron variant (2).
Genome position (GRCh38, 1-based): chr3:15,645,225, G>A. VCF-style: chr3-15645225-G-A. GRCh37 (hg19) VCF-style: chr3-15686732-G-A.
Other names: c.1369G>A, p.Val457Met (NM_000060.4); c.1309G>A, p.Val437Met (NM_001281723.4, NM_001281724.3, NM_001281725.3 and 16 more transcripts); c.1015+294G>A (NM_001370752.1); c.399+3168G>A (NM_001370753.1); short protein forms V437M.
Identifiers: ClinVar variation 2203322 (VCV002203322.4), dbSNP rs146600671, ClinGen allele CA278335.